The following is an entry in ClinVar:

NM_000088.4(COL1A1):c.3726C>A (p.Ile1242=)

Gene: COL1A1 (collagen type I alpha 1 chain; minus strand). Cytogenetic location: 17q21.33.
Variant type: single nucleotide variant.
Coding change: c.3726C>A on transcript NM_000088.4 (MANE Select); coding-DNA position 3726, C replaced by A.
Protein change: p.Ile1242=; no amino-acid change (isoleucine 1242 retained).
Molecular consequence: synonymous variant.
Genome position (GRCh38, 1-based): chr17:50,186,728, G>T on the plus strand (C>A on the coding strand, the complement: COL1A1 is on the minus strand). VCF-style: chr17-50186728-G-T. GRCh37 (hg19) VCF-style: chr17-48264089-G-T.
Identifiers: ClinVar variation 508685 (VCV000508685.8), dbSNP rs768572265, ClinGen allele CA8644372.
Genomic context (GRCh38, chr17:50,186,728, plus strand): 5'-GAGGTCACGGCAGGTGCGGGCGGGGTTCTTGCGGCTGCCCTCTGGGCTCCGGATGTTCTC[G>T]ATCTGCTGGCTCAGGCTCTTGAGGGTGGTGTCCACCTCGAGGTCACGGTCACGAACCACA-3'
Protein context (NP_000079.2, residues 1232-1252): DTTLKSLSQQ[Ile1242=]ENIRSPEGSR

ClinVar aggregate classification (germline): Likely benign. Review status: criteria provided, multiple submitters, no conflicts (2 of 4 stars). 3 submissions from 3 submitters: Likely benign (3). Last evaluated 2025-01-13.

Conditions:
Cardiovascular phenotype. Identifiers: MedGen CN230736.
Osteogenesis imperfecta type I (OI1). Also called: Classic Non-deforming Osteogenesis Imperfecta with Blue Sclerae; Osteogenesis imperfecta type 1; Lobstein disease; OI, TYPE I; OSTEOGENESIS IMPERFECTA TARDA; OSTEOGENESIS IMPERFECTA WITH BLUE SCLERAE. Identifiers: Orphanet 216796, Orphanet 666, MedGen C0023931, MONDO:0008146, OMIM 166200. Disease mechanism: loss of function.

Allele frequency attached by ClinVar (database versions not stated): ExAC 0.00002; TOPMed 0.00003.

Submissions (3):

Labcorp Genetics (formerly Invitae), Labcorp
Classification: Likely benign for Osteogenesis imperfecta type I. Last evaluated: 2025-01-13. Review status: criteria provided, single submitter. Criteria: Invitae Variant Classification Sherloc (09022015). Collection method: clinical testing. Allele origin: germline.

Ambry Genetics
Classification: Likely benign for Cardiovascular phenotype. Last evaluated: 2019-09-13. Review status: criteria provided, single submitter. Criteria: Ambry Variant Classification Scheme 2023. Collection method: clinical testing. Allele origin: germline.

GeneDx
Classification: Likely benign. Last evaluated: 2017-04-04. Review status: criteria provided, single submitter. Criteria: GeneDx Variant Classification (06012015). Collection method: clinical testing. Allele origin: germline. Affected: yes.
Comment: This variant is considered likely benign or benign based on one or more of the following criteria: it is a conservative change, it occurs at a poorly conserved position in the protein, it is predicted to be benign by multiple in silico algorithms, and/or has population frequency not consistent with disease.